The following is an entry in ClinVar:

NM_003922.4(HERC1):c.9743G>A (p.Arg3248Gln)

Gene: HERC1 (HECT and RLD domain containing E3 ubiquitin protein ligase family member 1; minus strand). Cytogenetic location: 15q22.31.
Variant type: single nucleotide variant.
Coding change: c.9743G>A on transcript NM_003922.4 (MANE Select); coding-DNA position 9743, G replaced by A.
Protein change: p.Arg3248Gln; replaces arginine 3248 with glutamine.
Molecular consequence: missense variant.
Genome position (GRCh38, 1-based): chr15:63,656,215, C>T on the plus strand (G>A on the coding strand, the complement: HERC1 is on the minus strand). VCF-style: chr15-63656215-C-T. GRCh37 (hg19) VCF-style: chr15-63948414-C-T.
Other names: short protein forms R3248Q.
Identifiers: ClinVar variation 2210117 (VCV002210117.4), dbSNP rs757219034, ClinGen allele CA7604634.
Genomic context (GRCh38, chr15:63,656,215, plus strand): 5'-GTGCTCAAATAGGCCAGGCAAGAGATAGGCTTGTTAGCCTTGCTATGCCCACCTCGTGAT[C>T]GTTCTGAGGTGCTAGCCATGGCAGAAGGGCTGGTGGAGAGGCCAGCTCTCCCTGCTGCTG-3'
Protein context (NP_003913.3, residues 3238-3258): SPSAMASTSE[Arg3248Gln]SRGGHSKANK

ClinVar aggregate classification (germline): Uncertain significance. Review status: criteria provided, multiple submitters, no conflicts (2 of 4 stars). 2 submissions from 2 submitters: Uncertain significance (2). Last evaluated 2024-08-16.

Conditions:
Inborn genetic diseases. Identifiers: MedGen C0950123, MeSH D030342.

Allele frequency attached by ClinVar (database versions not stated): ExAC 0.00003.
gnomAD v4.1: 50 of 1,613,130 alleles (0.0031%); highest among the groups gnomAD compares: Middle Eastern, 0.016%; no homozygotes.

Submissions (2):

Labcorp Genetics (formerly Invitae), Labcorp
Classification: Uncertain significance. Last evaluated: 2024-08-16. Review status: criteria provided, single submitter. Criteria: Invitae Variant Classification Sherloc (09022015). Collection method: clinical testing. Allele origin: germline.
Comment: This sequence change replaces arginine, which is basic and polar, with glutamine, which is neutral and polar, at codon 3248 of the HERC1 protein (p.Arg3248Gln). This variant is present in population databases (rs757219034, gnomAD 0.04%). This missense change has been observed in individual(s) with clinical features of HERC1-related conditions (PMID: 33057194, 35982159). ClinVar contains an entry for this variant (Variation ID: 2210117). Invitae Evidence Modeling of protein sequence and biophysical properties (such as structural, functional, and spatial information, amino acid conservation, physicochemical variation, residue mobility, and thermodynamic stability) indicates that this missense variant is expected to disrupt HERC1 protein function with a positive predictive value of 80%. In summary, the available evidence is currently insufficient to determine the role of this variant in disease. Therefore, it has been classified as a Variant of Uncertain Significance.

Ambry Genetics
Classification: Uncertain significance for Inborn genetic diseases. Last evaluated: 2022-10-25. Review status: criteria provided, single submitter. Criteria: Ambry Variant Classification Scheme 2023. Collection method: clinical testing. Allele origin: germline.

Literature cited by the submitters: PubMed 33057194 (cited by Labcorp Genetics (formerly Invitae), Labcorp); PubMed 35982159 (cited by Labcorp Genetics (formerly Invitae), Labcorp).